The following is an entry in ClinVar:

ClinVar aggregate classification (germline): Benign (0 of 4 stars; one submission).

Conditions:
SERPINA1-related disorder. Also called: SerpinA1-related disorders; SERPINA1-related condition.

Submission:

PreventionGenetics, part of Exact Sciences
Classification: Benign for SERPINA1-related condition. Last evaluated: 2021-05-03. Review status: no assertion criteria provided. Collection method: clinical testing. Allele origin: germline.
Comment: This variant is classified as benign based on ACMG/AMP sequence variant interpretation guidelines (Richards et al. 2015 PMID: 25741868, with internal and published modifications).

NM_000295.5(SERPINA1):c.922G>A (p.Ala308Thr)

Gene: SERPINA1 (serpin family A member 1; minus strand). Cytogenetic location: 14q32.13.
Variant type: single nucleotide variant.
Coding change: c.922G>A on transcript NM_000295.5 (MANE Select); coding-DNA position 922, G replaced by A.
Protein change: p.Ala308Thr; replaces alanine 308 with threonine.
Molecular consequence: missense variant.
Genome position (GRCh38, 1-based): chr14:94,379,607, C>T on the plus strand (G>A on the coding strand, the complement: SERPINA1 is on the minus strand). VCF-style: chr14-94379607-C-T. GRCh37 (hg19) VCF-style: chr14-94845944-C-T.
Other names: c.922G>A, p.Ala308Thr (NM_001002235.3, NM_001002236.3, NM_001127700.2 and 7 more transcripts); short protein forms A308T.
Identifiers: ClinVar variation 3034324 (VCV003034324.2), dbSNP rs141620200, ClinGen allele CA390848279.